The following is an entry in ClinVar:

ClinVar aggregate classification (germline): Benign (1 of 4 stars; one submission).

Allele frequency attached by ClinVar (database versions not stated): TOPMed 0.87353; gnomAD 0.87378 and 0.87456; 1000 Genomes Project 30x 0.89725; 1000 Genomes Project 0.90196.
gnomAD v4.1: 133,121 of 152,140 alleles (87%); highest among the groups gnomAD compares: East Asian, 98%; 58,319 homozygotes.

Submission:

GeneDx
Classification: Benign. Last evaluated: 2018-06-14. Review status: criteria provided, single submitter. Criteria: GeneDx Variant Classification (06012015). Collection method: clinical testing. Allele origin: germline. Affected: yes.
Comment: This variant is considered likely benign or benign based on one or more of the following criteria: it is a conservative change, it occurs at a poorly conserved position in the protein, it is predicted to be benign by multiple in silico algorithms, and/or has population frequency not consistent with disease.

NM_001160148.2(DDHD1):c.1993-176T>C

Gene: DDHD1 (DDHD domain containing 1; minus strand). Cytogenetic location: 14q22.1.
Variant type: single nucleotide variant.
Coding change: c.1993-176T>C on transcript NM_001160148.2 (MANE Select); 176 bases into the intron before coding-DNA position 1993, T replaced by C.
Molecular consequence: intron variant.
Genome position (GRCh38, 1-based): chr14:53,056,088, A>G on the plus strand (T>C on the coding strand, the complement: DDHD1 is on the minus strand). VCF-style: chr14-53056088-A-G. GRCh37 (hg19) VCF-style: chr14-53522806-A-G.
Other names: c.1993-176T>C (NM_030637.3); c.2014-176T>C (NM_001160147.2).
Identifiers: ClinVar variation 679273 (VCV000679273.1), dbSNP rs1959352, ClinGen allele CA14048082.